The following is an entry in ClinVar:

NM_182641.4(BPTF):c.2798A>T (p.Lys933Met)

Gene: BPTF (bromodomain PHD finger transcription factor; plus strand). Cytogenetic location: 17q24.2.
Variant type: single nucleotide variant.
Coding change: c.2798A>T on transcript NM_182641.4 (MANE Select); coding-DNA position 2798, A replaced by T.
Protein change: p.Lys933Met; replaces lysine 933 with methionine.
Molecular consequence: missense variant.
Genome position (GRCh38, 1-based): chr17:67,904,826, A>T. VCF-style: chr17-67904826-A-T. GRCh37 (hg19) VCF-style: chr17-65900942-A-T.
Other names: c.3176A>T, p.Lys1059Met (NM_004459.7); short protein forms K933M, K1059M.
Identifiers: ClinVar variation 1028759 (VCV001028759.1), dbSNP rs753210939, ClinGen allele CA400722552.

ClinVar aggregate classification (germline): Likely pathogenic (1 of 4 stars; one submission).

Conditions:
Neurodevelopmental disorder with dysmorphic facies and distal limb anomalies. Identifiers: Orphanet 686482, MedGen C4540327, MONDO:0060596, OMIM 617755.

Submission:

Baylor Genetics
Classification: Likely pathogenic for Neurodevelopmental disorder with dysmorphic facies and distal limb anomalies. Last evaluated: 2020-01-24. Review status: criteria provided, single submitter. Criteria: ACMG Guidelines, 2015. Collection method: clinical testing. Allele origin: unknown. Affected: yes.
Comment: This variant was determined to be likely pathogenic according to ACMG Guidelines, 2015 [PMID:25741868].